The following is an entry in ClinVar:

NM_001170700.3(DTHD1):c.1642C>G (p.Arg548Gly)

Gene: DTHD1 (death domain containing 1; plus strand). Cytogenetic location: 4p14.
Variant type: single nucleotide variant.
Coding change: c.1642C>G on transcript NM_001170700.3 (MANE Select); coding-DNA position 1642, C replaced by G.
Protein change: p.Arg548Gly; replaces arginine 548 with glycine.
Molecular consequence: missense variant. On other transcripts: non-coding transcript variant (2).
Genome position (GRCh38, 1-based): chr4:36,295,038, C>G. VCF-style: chr4-36295038-C-G. GRCh37 (hg19) VCF-style: chr4-36296660-C-G.
Other names: c.772C>G, p.Arg258Gly (NM_001136536.5); c.709C>G, p.Arg237Gly (NM_001378435.1); short protein forms R237G, R258G, R548G.
Identifiers: ClinVar variation 1024742 (VCV001024742.8), dbSNP rs189410090, ClinGen allele CA356680254.

ClinVar aggregate classification (germline): Uncertain significance (1 of 4 stars; one submission).

Submission:

Labcorp Genetics (formerly Invitae), Labcorp
Classification: Uncertain significance. Last evaluated: 2025-01-14. Review status: criteria provided, single submitter. Criteria: Invitae Variant Classification Sherloc (09022015). Collection method: clinical testing. Allele origin: germline.
Comment: This sequence change replaces arginine, which is basic and polar, with glycine, which is neutral and non-polar, at codon 258 of the DTHD1 protein (p.Arg258Gly). This variant is not present in population databases (gnomAD no frequency). This variant has not been reported in the literature in individuals affected with DTHD1-related conditions. ClinVar contains an entry for this variant (Variation ID: 1024742). An algorithm developed to predict the effect of missense changes on protein structure and function (PolyPhen-2) suggests that this variant is likely to be disruptive. In summary, the available evidence is currently insufficient to determine the role of this variant in disease. Therefore, it has been classified as a Variant of Uncertain Significance.